The following is an entry in ClinVar:

ClinVar aggregate classification (germline): Conflicting classifications of pathogenicity. Review status: criteria provided, conflicting classifications (1 of 4 stars). 4 submissions from 4 submitters: Likely pathogenic (1); Uncertain significance (3). Last evaluated 2025-10-07.

Conditions:
Hypertrophic cardiomyopathy 11. Also called: ACTC1-Related Familial Hypertrophic Cardiomyopathy. Identifiers: MedGen C2677506, MONDO:0012799, OMIM 612098.
Dilated cardiomyopathy 1R (CMD1R). Identifiers: Orphanet 154, Orphanet 54260, MedGen C3150681, MONDO:0013261, OMIM 613424.
Atrial septal defect 5 (ASD5). Identifiers: Orphanet 1478, MedGen C2748552, MONDO:0013011, OMIM 612794.
Cardiomyopathy (CMYO). Also called: Cardiomyopathies. Identifiers: Orphanet 167848, MedGen C0878544, MONDO:0004994, HP:0001638. Inheritance: Various modes of inheritance.

Submissions (4):

Color Diagnostics, LLC DBA Color Health
Classification: Uncertain significance for Cardiomyopathy. Last evaluated: 2025-10-07. Review status: criteria provided, single submitter. Criteria: ACMG Guidelines, 2015. Collection method: clinical testing. Allele origin: germline.
Comment: This missense variant replaces proline with serine at codon 104 of the ACTC1 protein. Computational prediction suggests that this variant may have deleterious impact on protein structure and function. To our knowledge, functional studies have not been reported for this variant. This variant has not been reported in individuals affected with ACTC1-related disorders in the literature. This variant has not been identified in the general population by the Genome Aggregation Database (gnomAD). The available evidence is insufficient to determine the role of this variant in disease conclusively. Therefore, this variant is classified as a Variant of Uncertain Significance.

Labcorp Genetics (formerly Invitae), Labcorp
Classification: Uncertain significance for Dilated cardiomyopathy 1R; Hypertrophic cardiomyopathy 11; Atrial septal defect 5. Last evaluated: 2024-04-09. Review status: criteria provided, single submitter. Criteria: Invitae Variant Classification Sherloc (09022015). Collection method: clinical testing. Allele origin: germline.
Comment: This sequence change replaces proline, which is neutral and non-polar, with serine, which is neutral and polar, at codon 104 of the ACTC1 protein (p.Pro104Ser). This variant is not present in population databases (gnomAD no frequency). This variant has not been reported in the literature in individuals affected with ACTC1-related conditions. ClinVar contains an entry for this variant (Variation ID: 45175). Advanced modeling of protein sequence and biophysical properties (such as structural, functional, and spatial information, amino acid conservation, physicochemical variation, residue mobility, and thermodynamic stability) performed at Invitae indicates that this missense variant is not expected to disrupt ACTC1 protein function with a negative predictive value of 80%. In summary, the available evidence is currently insufficient to determine the role of this variant in disease. Therefore, it has been classified as a Variant of Uncertain Significance.

Laboratory for Molecular Medicine, Mass General Brigham Personalized Medicine
Classification: Uncertain significance. Last evaluated: 2015-12-22. Review status: criteria provided, single submitter. Criteria: LMM Criteria. Collection method: clinical testing. Allele origin: germline. Observed: 4 variant alleles.
Comment: The p.Pro104Ser variant in ACTC1 has been reported in 2 Caucasian individuals wi th HCM and was absent from large population studies. Computational prediction to ols and conservation analysis suggest that this variant may impact the protein, though this information is not predictive enough to determine pathogenicity. In summary, the clinical significance of the p.Pro104Ser variant is uncertain.

GeneDx
Classification: Likely pathogenic. Last evaluated: 2015-01-05. Review status: criteria provided, single submitter. Criteria: GeneDx Variant Classification (06012015). Collection method: clinical testing. Allele origin: germline. Affected: yes.
Comment: A novel P104S variant that is likely pathogenic was identified in the ACTC1 gene. It has not been published as a pathogenic variant or as a benign polymorphism to our knowledge. The P104S variant was not observed in approximately 6,500 individuals of European and African American ancestry in an external variant database, indicating it is not a common benign variant in these populations. In addition, the P104S variant is a non-conservative amino acid substitution, which is likely to impact secondary protein structure as these residues differ in polarity, charge, size and/or other properties. Moreover, this substitution occurs at a position that is completely conserved across species. Additionally, in silico analysis predicts this variant is probably damaging to the protein structure/function. Furthermore, missense variants in nearby residues (R97C, E101K) have been reported in the Human Gene Mutation Database in association with cardiomyopathy (Stenson et al., 2014), supporting the functional importance of this region of the protein.

NM_005159.5(ACTC1):c.310C>T (p.Pro104Ser)

Genes: GJD2-DT (GJD2 divergent transcript; plus strand), ACTC1 (actin alpha cardiac muscle 1; minus strand). Cytogenetic location: 15q14.
Variant type: single nucleotide variant.
Coding change: c.310C>T on transcript NM_005159.5 (MANE Select); coding-DNA position 310, C replaced by T.
Protein change: p.Pro104Ser; replaces proline 104 with serine.
Molecular consequence: missense variant.
Genome position (GRCh38, 1-based): chr15:34,793,389, G>A on the plus strand (C>T on the coding strand, the complement: ACTC1 is on the minus strand). VCF-style: chr15-34793389-G-A. GRCh37 (hg19) VCF-style: chr15-35085590-G-A.
Other names: short protein forms P104S.
Identifiers: ClinVar variation 45175 (VCV000045175.9), dbSNP rs397517059, ClinGen allele CA019747.